The following is an entry in ClinVar:

ClinVar aggregate classification (germline): Uncertain significance (1 of 4 stars; one submission).

Submission:

GeneDx
Classification: Uncertain significance. Last evaluated: 2017-01-26. Review status: criteria provided, single submitter. Criteria: GeneDx Variant Classification (06012015). Collection method: clinical testing. Allele origin: germline. Affected: yes.
Comment: The A354D variant in the ITGA2B gene has not been reported previously as a pathogenic variant, nor as a benign variant, to our knowledge. The A354D variant was not observed in approximately 6,500 individuals of European and African American ancestry in the NHLBI Exome Sequencing Project, indicating it is not a common benign variant in these populations. The A354D variant is a non-conservative amino acid substitution, which is likely to impact secondary protein structure as these residues differ in polarity, charge, size and/or other properties. This substitution occurs at a position that is conserved in mammals. In silico analysis is inconsistent in its predictions as to whether or not the variant is damaging to the protein structure/function. We interpret A354D as a variant of uncertain significance.

NM_000419.5(ITGA2B):c.1061C>A (p.Ala354Asp)

Gene: ITGA2B (integrin subunit alpha 2b; minus strand). Cytogenetic location: 17q21.31.
Variant type: single nucleotide variant.
Coding change: c.1061C>A on transcript NM_000419.5 (MANE Select); coding-DNA position 1061, C replaced by A.
Protein change: p.Ala354Asp; replaces alanine 354 with aspartic acid.
Molecular consequence: missense variant.
Genome position (GRCh38, 1-based): chr17:44,383,642, G>T on the plus strand (C>A on the coding strand, the complement: ITGA2B is on the minus strand). VCF-style: chr17-44383642-G-T. GRCh37 (hg19) VCF-style: chr17-42461010-G-T.
Other names: c.1061C>A (LRG_479t1); short protein forms A354D.
Identifiers: ClinVar variation 393125 (VCV000393125.2), dbSNP rs867269275, ClinGen allele CA16608467.